The following is an entry in ClinVar:

ClinVar aggregate classification (germline): Uncertain significance (1 of 4 stars; one submission).

Submission:

Centre of Medical Genetics, University Hospital Muenster
Classification: Uncertain significance. Last evaluated: 2022-01-17. Review status: criteria provided, single submitter. Criteria: ACMG Guidelines, 2015. Collection method: clinical testing. Allele origin: unknown. Affected: yes. Observed: 1 variant allele, 1 heterozygote.
Comment: ACMG categories: PM2

NM_023067.4(FOXL2):c.-10C>G

Gene: FOXL2 (forkhead box L2; minus strand). Cytogenetic location: 3q22.3.
Variant type: single nucleotide variant.
Coding change: c.-10C>G on transcript NM_023067.4 (MANE Select); 10 bases upstream of the start codon, C replaced by G.
Molecular consequence: 5 prime UTR variant.
Genome position (GRCh38, 1-based): chr3:138,946,732, G>C on the plus strand (C>G on the coding strand, the complement: FOXL2 is on the minus strand). VCF-style: chr3-138946732-G-C. GRCh37 (hg19) VCF-style: chr3-138665574-G-C.
Identifiers: ClinVar variation 1708386 (VCV001708386.3), dbSNP rs1309298600, ClinGen allele CA899584035.